The following is an entry in ClinVar:

NM_001482.3(GATM):c.26G>A (p.Gly9Asp)

Genes: GATM (glycine amidinotransferase; minus strand), LOC130056991 (ATAC-STARR-seq lymphoblastoid silent region 6406; plus strand). Cytogenetic location: 15q21.1.
Variant type: single nucleotide variant.
Coding change: c.26G>A on transcript NM_001482.3 (MANE Select); coding-DNA position 26, G replaced by A.
Protein change: p.Gly9Asp; replaces glycine 9 with aspartic acid.
Molecular consequence: missense variant. On other transcripts: intron variant (1).
Genome position (GRCh38, 1-based): chr15:45,378,428, C>T on the plus strand (G>A on the coding strand, the complement: GATM is on the minus strand). VCF-style: chr15-45378428-C-T. GRCh37 (hg19) VCF-style: chr15-45670626-C-T.
Other names: c.-318-1609G>A (NM_001321015.2); short protein forms G9D.
Identifiers: ClinVar variation 3663316 (VCV003663316.2).

ClinVar aggregate classification (germline): Uncertain significance (1 of 4 stars; one submission).

Conditions:
Arginine:glycine amidinotransferase deficiency (CCDS3). Also called: Creatine deficiency syndrome due to AGAT deficiency; GATM deficiency; AGAT deficiency; L-Arginine:Glycine Amidinotransferase Deficiency; L-Arginine:Glycine Amidinotransferase (AGAT) Deficiency; Cerebral creatine deficiency syndrome 3. Identifiers: Orphanet 35704, MedGen C2675179, MONDO:0012996, OMIM 612718.

Submission:

Labcorp Genetics (formerly Invitae), Labcorp
Classification: Uncertain significance for Arginine:glycine amidinotransferase deficiency. Last evaluated: 2024-08-23. Review status: criteria provided, single submitter. Criteria: Invitae Variant Classification Sherloc (09022015). Collection method: clinical testing. Allele origin: germline.
Comment: This sequence change replaces glycine, which is neutral and non-polar, with aspartic acid, which is acidic and polar, at codon 9 of the GATM protein (p.Gly9Asp). This variant is not present in population databases (gnomAD no frequency). This variant has not been reported in the literature in individuals affected with GATM-related conditions. An algorithm developed to predict the effect of missense changes on protein structure and function (PolyPhen-2) suggests that this variant is likely to be tolerated. In summary, the available evidence is currently insufficient to determine the role of this variant in disease. Therefore, it has been classified as a Variant of Uncertain Significance.